The following is an entry in ClinVar:

NM_004859.4(CLTC):c.3725A>T (p.Asp1242Val)

Gene: CLTC (clathrin heavy chain; plus strand). Cytogenetic location: 17q23.1.
Variant type: single nucleotide variant.
Coding change: c.3725A>T on transcript NM_004859.4 (MANE Select); coding-DNA position 3725, A replaced by T.
Protein change: p.Asp1242Val; replaces aspartic acid 1242 with valine.
Molecular consequence: missense variant.
Genome position (GRCh38, 1-based): chr17:59,682,753, A>T. VCF-style: chr17-59682753-A-T. GRCh37 (hg19) VCF-style: chr17-57760114-A-T.
Other names: c.3737A>T, p.Asp1246Val (NM_001288653.2); short protein forms D1242V, D1246V.
Identifiers: ClinVar variation 4281940 (VCV004281940.1).

ClinVar aggregate classification (germline): Uncertain significance (1 of 4 stars; one submission).

Submission:

GeneDx
Classification: Uncertain significance. Last evaluated: 2025-04-07. Review status: criteria provided, single submitter. Criteria: GeneDx Variant Classification Process June 2021. Collection method: clinical testing. Allele origin: germline. Affected: yes.
Comment: Not observed at significant frequency in large population cohorts (gnomAD); In silico analysis supports that this missense variant has a deleterious effect on protein structure/function; Has not been previously published as pathogenic or benign to our knowledge